The following is an entry in ClinVar:

NM_001377299.1(NDUFS2):c.780+6C>T

Gene: NDUFS2 (NADH:ubiquinone oxidoreductase core subunit S2; plus strand). Cytogenetic location: 1q23.3.
Variant type: single nucleotide variant.
Coding change: c.780+6C>T on transcript NM_001377299.1 (MANE Select); 6 bases into the intron after coding-DNA position 780, C replaced by T.
Molecular consequence: intron variant.
Genome position (GRCh38, 1-based): chr1:161,210,194, C>T. VCF-style: chr1-161210194-C-T. GRCh37 (hg19) VCF-style: chr1-161179984-C-T.
Other names: c.780+6C>T (NM_001377300.1, NM_001377298.1, NM_001377301.1 and 3 more transcripts).
Identifiers: ClinVar variation 2185433 (VCV002185433.4), dbSNP rs753372460, ClinGen allele CA1208686.

ClinVar aggregate classification (germline): Uncertain significance (1 of 4 stars; one submission).

Allele frequency attached by ClinVar (database versions not stated): TOPMed below 0.00001; gnomAD exomes 0.00001; ExAC 0.00003.
gnomAD v4.1: 8 of 1,613,832 alleles (0.0005%); highest among the groups gnomAD compares: Admixed American, 0.012%; no homozygotes.

Submission:

Labcorp Genetics (formerly Invitae), Labcorp
Classification: Uncertain significance. Last evaluated: 2024-02-23. Review status: criteria provided, single submitter. Criteria: Invitae Variant Classification Sherloc (09022015). Collection method: clinical testing. Allele origin: germline.
Comment: This sequence change falls in intron 8 of the NDUFS2 gene. It does not directly change the encoded amino acid sequence of the NDUFS2 protein. It affects a nucleotide within the consensus splice site. This variant is present in population databases (rs753372460, gnomAD 0.02%). This variant has not been reported in the literature in individuals affected with NDUFS2-related conditions. ClinVar contains an entry for this variant (Variation ID: 2185433). Variants that disrupt the consensus splice site are a relatively common cause of aberrant splicing (PMID: 17576681, 9536098). Algorithms developed to predict the effect of sequence changes on RNA splicing suggest that this variant is not likely to affect RNA splicing. In summary, the available evidence is currently insufficient to determine the role of this variant in disease. Therefore, it has been classified as a Variant of Uncertain Significance.

Literature cited by the submitters: PubMed 17576681; PubMed 9536098.